The following is an entry in ClinVar:

NM_000260.4(MYO7A):c.5044-247T>C

Gene: MYO7A (myosin VIIA; plus strand). Cytogenetic location: 11q13.5.
Variant type: single nucleotide variant.
Coding change: c.5044-247T>C on transcript NM_000260.4 (MANE Select); 247 bases into the intron before coding-DNA position 5044, T replaced by C.
Molecular consequence: intron variant.
Genome position (GRCh38, 1-based): chr11:77,202,053, T>C. VCF-style: chr11-77202053-T-C. GRCh37 (hg19) VCF-style: chr11-76913098-T-C.
Other names: c.4897-247T>C (NM_001369365.1); c.4930-247T>C (NM_001127180.2).
Identifiers: ClinVar variation 678835 (VCV000678835.1), dbSNP rs11237118, ClinGen allele CA13464854.
Genomic context (GRCh38, chr11:77,202,053, plus strand): 5'-TAGTGGCTCCTGAGCCAGGCTCAGTGGACGAGGCAGCTCTCATACCATGTCCCGCTGCCT[T>C]GTCCAGGCTTTCTGACTGACCCAACCTGATCAGACACCTGGGGAAGGGCCCTGAGCTCAG-3'

ClinVar aggregate classification (germline): Benign (1 of 4 stars; one submission).

Allele frequency attached by ClinVar (database versions not stated): 1000 Genomes Project 0.55232; 1000 Genomes Project 30x 0.55871; gnomAD 0.58873 and 0.59907; TOPMed 0.59666.
gnomAD v4.1: 89,307 of 151,874 alleles (59%); highest among the groups gnomAD compares: African/African-American, 69%; 26,776 homozygotes.

Submission:

GeneDx
Classification: Benign. Last evaluated: 2018-06-14. Review status: criteria provided, single submitter. Criteria: GeneDx Variant Classification (06012015). Collection method: clinical testing. Allele origin: germline. Affected: yes.
Comment: This variant is considered likely benign or benign based on one or more of the following criteria: it is a conservative change, it occurs at a poorly conserved position in the protein, it is predicted to be benign by multiple in silico algorithms, and/or has population frequency not consistent with disease.